The following is an entry in ClinVar:

NM_139058.3(ARX):c.557dup (p.Pro187fs)

Gene: ARX (aristaless related homeobox; minus strand). Cytogenetic location: Xp21.3.
Variant type: Duplication.
Coding change: c.557dup on transcript NM_139058.3 (MANE Select); coding-DNA position 557, one base duplicated (C; older notation c.557dupC).
Protein change: p.Pro187fs; shifts the reading frame from proline 187.
Molecular consequence: frameshift variant.
Genome position (GRCh38, 1-based): chrX:25,013,438, G duplicated on the plus strand (C on the coding strand, the reverse complement: ARX is on the minus strand); the first of 2 consecutive G bases (chrX:25,013,438-25,013,439); duplicating either gives the same sequence. VCF-style (leftmost placement, unchanged base first): chrX-25013437-C-CG. GRCh37 (hg19) VCF-style: chrX-25031554-C-CG.
Other names: short protein forms P187fs.
Identifiers: ClinVar variation 3066286 (VCV003066286.1), dbSNP rs2519107067, ClinGen allele CA2740097963.
Genomic context (GRCh38, chrX:25,013,437, plus strand): 5'-GCCGAGGCGCTCCTCCGGGTGCGTGACGCCCCCCGGGCCGCCCAGCTCGTCCAGCGCGGG[C>CG]GGCGGCGGCACGAAGGGCGCCCCGTTCTCGCGGTACGACTTGCTGCGGCTGATGCTCACC-3'

ClinVar aggregate classification (germline): Pathogenic (1 of 4 stars; one submission).

Conditions:
X-linked lissencephaly with abnormal genitalia. Identifiers: Orphanet 452, MedGen C1846171, MONDO:0010268, OMIM 300215.

Submission:

MVZ Medizinische Genetik Mainz
Classification: Pathogenic for X-linked lissencephaly with abnormal genitalia. Last evaluated: 2023-11-20. Review status: criteria provided, single submitter. Criteria: UK Practice Guidelines For Variant Classification V4 01 2020. Collection method: clinical testing. Allele origin: germline. Inheritance: X-linked dominant inheritance. Affected: yes. Observed: 1 variant allele.
Comment: ACMG Criteria: PVS1,PM2_SUP